The following is an entry in ClinVar:

ClinVar aggregate classification (germline): Benign/Likely benign. Review status: criteria provided, multiple submitters, no conflicts (2 of 4 stars). 10 submissions from 10 submitters: Benign (1); Likely benign (8). 1 of the submissions does not count toward it. Last evaluated 2026-01-26.

Conditions:
Familial thoracic aortic aneurysm and aortic dissection (TAAD). Also called: Thoracic aortic aneurysms and dissections. Identifiers: Orphanet 91387, MedGen C4707243, MONDO:0019625.
Marfan syndrome (MFS). Also called: Marfan syndrome type 1; Marfan's syndrome; Marfan syndrome, classic; FBN1-Related Marfan Syndrome; MARFAN SYNDROME, TYPE I. Identifiers: Orphanet 284963, Orphanet 558, MedGen C0024796, MONDO:0007947, OMIM 154700.
FBN1-related disorder. Also called: FBN1-related disorders.

Allele frequency attached by ClinVar (database versions not stated): gnomAD 0.00006; TOPMed 0.00008.
gnomAD v4.1: 142 of 1,613,442 alleles (0.0088%); highest among the groups gnomAD compares: Non-Finnish European, 0.011%; no homozygotes.

Submissions (10):

Labcorp Genetics (formerly Invitae), Labcorp
Classification: Likely benign for Marfan syndrome; Familial thoracic aortic aneurysm and aortic dissection. Last evaluated: 2026-01-26. Review status: criteria provided, single submitter. Criteria: Invitae Variant Classification Sherloc (09022015). Collection method: clinical testing. Allele origin: germline.

Blueprint Genetics
Classification: Likely benign. Last evaluated: 2024-11-13. Review status: criteria provided, single submitter. Criteria: ACMG Guidelines, 2015. Collection method: clinical testing. Allele origin: germline.

Ambry Genetics
Classification: Likely benign for Familial thoracic aortic aneurysm and aortic dissection. Last evaluated: 2024-04-23. Review status: criteria provided, single submitter. Criteria: Ambry Variant Classification Scheme 2023. Collection method: clinical testing. Allele origin: germline.

Center for Genomics, Ann and Robert H. Lurie Children's Hospital of Chicago
Classification: Likely benign for Marfan syndrome. Last evaluated: 2022-08-15. Review status: criteria provided, single submitter. Criteria: ACMG Guidelines, 2015. Collection method: clinical testing. Allele origin: germline.

GeneDx
Classification: Likely benign. Last evaluated: 2020-12-28. Review status: criteria provided, single submitter. Criteria: GeneDx Variant Classification Process June 2021. Collection method: clinical testing. Allele origin: germline. Affected: yes.
Comment: This variant is associated with the following publications: (PMID: 26787436)

CHEO Genetics Diagnostic Laboratory, Children's Hospital of Eastern Ontario
Classification: Likely benign for Familial thoracic aortic aneurysm and aortic dissection. Last evaluated: 2019-12-11. Review status: criteria provided, single submitter. Criteria: ACMG Guidelines, 2015. Collection method: clinical testing. Allele origin: germline.

Color Diagnostics, LLC DBA Color Health
Classification: Likely benign for Familial thoracic aortic aneurysm and aortic dissection. Last evaluated: 2018-11-21. Review status: criteria provided, single submitter. Criteria: ACMG Guidelines, 2015. Collection method: clinical testing. Allele origin: germline.

CeGaT Center for Human Genetics Tuebingen
Classification: Likely benign. Last evaluated: 2018-06-01. Review status: criteria provided, single submitter. Criteria: CeGaT Center For Human Genetics Tuebingen Variant Classification Criteria Version 2. Collection method: clinical testing. Allele origin: germline. Affected: yes. Observed: 1 variant allele.

Women's Health and Genetics/Laboratory Corporation of America, LabCorp
Classification: Benign. Last evaluated: 2018-03-07. Review status: criteria provided, single submitter. Criteria: LabCorp Variant Classification Summary - May 2015. Collection method: clinical testing. Allele origin: germline.
Comment: Variant summary: FBN1 c.4998C>G alters a non-conserved nucleotide resulting in a synonymous change. 5/5 computational tools predict no significant impact on normal splicing. However, these predictions have yet to be confirmed by functional studies. The variant allele was found at a frequency of 9e-05 in 276932 control chromosomes from gnomAD. The observed variant frequency within Non-Finnish European control individuals (23/126526 chromosomes) is approximately 1.6 fold of the estimated maximal expected allele frequency for a pathogenic variant in FBN1 causing Marfan Syndrome phenotype (0.00011), strongly suggesting that the variant is a benign polymorphism found primarily in populations of Non-Finnish European origin. The c.4998C>G variant has been reported in the literature in two individuals potentially affected with Marfan Syndrome. However, these reports do not provide unequivocal conclusions about an association of the variant with Marfan Syndrome. To our knowledge, no experimental evidence demonstrating an impact on protein function has been reported. Multiple ClinVar submissions from clinical diagnostic laboratories (evaluation after 2014) cite the variant as "likely benign." Based on the evidence outlined above, the variant was classified as benign.

PreventionGenetics, part of Exact Sciences
Classification: Likely benign for FBN1-related condition. Last evaluated: 2020-08-22. Review status: no assertion criteria provided. Collection method: clinical testing. Allele origin: germline. Not counted in ClinVar's aggregate classification.
Comment: This variant is classified as likely benign based on ACMG/AMP sequence variant interpretation guidelines (Richards et al. 2015 PMID: 25741868, with internal and published modifications).

Literature cited by the submitters: PubMed 26787436 (cited by Women's Health and Genetics/Laboratory Corporation of America, LabCorp); PubMed 25504618 (cited by Women's Health and Genetics/Laboratory Corporation of America, LabCorp).

NM_000138.5(FBN1):c.4998C>G (p.Thr1666=)

Gene: FBN1 (fibrillin 1; minus strand). Cytogenetic location: 15q21.1.
Variant type: single nucleotide variant.
Coding change: c.4998C>G on transcript NM_000138.5 (MANE Select); coding-DNA position 4998, C replaced by G.
Protein change: p.Thr1666=; no amino-acid change (threonine 1666 retained).
Molecular consequence: synonymous variant.
Genome position (GRCh38, 1-based): chr15:48,463,966, G>C on the plus strand (C>G on the coding strand, the complement: FBN1 is on the minus strand). VCF-style: chr15-48463966-G-C. GRCh37 (hg19) VCF-style: chr15-48756163-G-C.
Identifiers: ClinVar variation 381319 (VCV000381319.67), dbSNP rs141925790, ClinGen allele CA054115.